The following is an entry in ClinVar:

ClinVar aggregate classification (germline): Likely benign (1 of 4 stars; one submission).

Allele frequency attached by ClinVar (database versions not stated): gnomAD exomes 0.00005; 1000 Genomes Project 0.00020; gnomAD 0.00028; 1000 Genomes Project 30x 0.00031.
gnomAD v4.1: 52 of 398,146 alleles (0.013%); highest among the groups gnomAD compares: African/African-American, 0.074%; no homozygotes.

Submission:

CeGaT Center for Human Genetics Tuebingen
Classification: Likely benign. Last evaluated: 2023-06-01. Review status: criteria provided, single submitter. Criteria: CeGaT Center For Human Genetics Tuebingen Variant Classification Criteria Version 2. Collection method: clinical testing. Allele origin: germline. Affected: yes. Observed: 1 variant allele.
Comment: KCNQ1OT1: BS2

NM_000218.3(KCNQ1):c.1394-33297G>A

Genes: KCNQ1 (potassium voltage-gated channel subfamily Q member 1; plus strand), KCNQ1OT1 (KCNQ1 opposite strand/antisense transcript 1; minus strand). Cytogenetic location: 11p15.5.
Variant type: single nucleotide variant.
Coding change: c.1394-33297G>A on transcript NM_000218.3 (MANE Select); 33297 bases into the intron before coding-DNA position 1394, G replaced by A.
Molecular consequence: intron variant. On other transcripts: non-coding transcript variant (1).
Genome position (GRCh38, 1-based): chr11:2,628,664, G>A. VCF-style: chr11-2628664-G-A. GRCh37 (hg19) VCF-style: chr11-2649894-G-A.
Other names: c.1124-33297G>A (NM_001406837.1); c.1298-33297G>A (NM_001406836.1); c.854-33297G>A (NM_001406838.1); c.1013-33297G>A (NM_181798.2).
Identifiers: ClinVar variation 2641399 (VCV002641399.24), dbSNP rs571562295, ClinGen allele CA216143192.
Genomic context (GRCh38, chr11:2,628,664, plus strand): 5'-TGTTGTTTCCTTTGTTGTGCAGACACTTTTTTGTTTGATGTAGTTCTAATTTATTTTTGC[G>A]TTTTATTCCTTGTGCTTTTGATGTCACATCTAAAAAATTGTCACAAAAACCAATGGCAAG-3'